The following is an entry in ClinVar:

NM_182961.4(SYNE1):c.1794A>C (p.Ser598=)

Gene: SYNE1 (spectrin repeat containing nuclear envelope protein 1; minus strand). Cytogenetic location: 6q25.2.
Variant type: single nucleotide variant.
Coding change: c.1794A>C on transcript NM_182961.4 (MANE Select); coding-DNA position 1794, A replaced by C.
Protein change: p.Ser598=; no amino-acid change (serine 598 retained).
Molecular consequence: synonymous variant.
Genome position (GRCh38, 1-based): chr6:152,465,396, T>G on the plus strand (A>C on the coding strand, the complement: SYNE1 is on the minus strand). VCF-style: chr6-152465396-T-G. GRCh37 (hg19) VCF-style: chr6-152786531-T-G.
Other names: p.Ser605=; c.1815A>C, p.Ser605= (NM_033071.5).
Identifiers: ClinVar variation 285454 (VCV000285454.25), dbSNP rs141424852, ClinGen allele CA4059297.

ClinVar aggregate classification (germline): Benign/Likely benign. Review status: criteria provided, multiple submitters, no conflicts (2 of 4 stars). 10 submissions from 9 submitters: Benign (5); Likely benign (5). Last evaluated 2026-09-01.

Conditions:
Autosomal recessive ataxia, Beauce type. Also called: ATAXIA, RECESSIVE, OF BEAUCE; SYNE1-Related Autosomal Recessive Cerebellar Ataxia; Spinocerebellar ataxia, autosomal recessive 8; SYNE1 Deficiency. Identifiers: Orphanet 88644, MedGen C1853116, MONDO:0012549, OMIM 610743.
Emery-Dreifuss muscular dystrophy 4, autosomal dominant (EDMD4). Also called: EMERY-DREIFUSS MUSCULAR DYSTROPHY 4 WITH VARIABLE FEATURES. Identifiers: Orphanet 261, MedGen C2751807, MONDO:0013071, OMIM 612998.

Allele frequency attached by ClinVar (database versions not stated): 1000 Genomes Project 0.00319; ESP Exome Variant Server 0.00323; gnomAD 0.00360 and 0.00381; TOPMed 0.00373; 1000 Genomes Project 30x 0.00390.
gnomAD v4.1: 1,323 of 1,613,818 alleles (0.082%); highest among the groups gnomAD compares: African/African-American, 1.1%; 8 homozygotes.

Submissions (10):

CeGaT Center for Human Genetics Tuebingen
Classification: Likely benign. Last evaluated: 2026-09-01. Review status: criteria provided, single submitter. Criteria: CeGaT Center For Human Genetics Tuebingen Variant Classification Criteria Version 2. Collection method: clinical testing. Allele origin: germline. Affected: yes. Observed: 2 variant alleles.
Comment: SYNE1: BP4, BP7, BS1

Labcorp Genetics (formerly Invitae), Labcorp
Classification: Benign for Emery-Dreifuss muscular dystrophy 4, autosomal dominant; Autosomal recessive ataxia, Beauce type. Last evaluated: 2026-01-22. Review status: criteria provided, single submitter. Criteria: Invitae Variant Classification Sherloc (09022015). Collection method: clinical testing. Allele origin: germline.

Blueprint Genetics
Classification: Likely benign. Last evaluated: 2024-09-12. Review status: criteria provided, single submitter. Criteria: ACMG Guidelines, 2015. Collection method: clinical testing. Allele origin: germline.

Athena Diagnostics
Classification: Benign. Last evaluated: 2021-01-22. Review status: criteria provided, single submitter. Criteria: Athena Diagnostics criteria. Collection method: clinical testing. Allele origin: unknown.

GeneDx
Classification: Likely benign. Last evaluated: 2020-12-01. Review status: criteria provided, single submitter. Criteria: GeneDx Variant Classification Process June 2021. Collection method: clinical testing. Allele origin: germline. Affected: yes.

Mayo Clinic Laboratories, Mayo Clinic
Classification: Benign. Last evaluated: 2019-02-28. Review status: criteria provided, single submitter. Criteria: ACMG Guidelines, 2015. Collection method: clinical testing. Allele origin: germline. Observed: 8 variant alleles.

Illumina Laboratory Services, Illumina
Classification: Benign for Emery-Dreifuss muscular dystrophy 4, autosomal dominant. Last evaluated: 2018-01-13. Review status: criteria provided, single submitter. Criteria: ICSL Variant Classification Criteria 13 December 2019. Collection method: clinical testing. Allele origin: germline.
Comment: This variant was observed in the ICSL laboratory as part of a predisposition screen in an ostensibly healthy population. It had not been previously curated by ICSL or reported in the Human Gene Mutation Database (HGMD: prior to June 1st, 2018), and was therefore a candidate for classification through an automated scoring system. Utilizing variant allele frequency, disease prevalence and penetrance estimates, and inheritance mode, an automated score was calculated to assess if this variant is too frequent to cause the disease. Based on the score and internal cut-off values, a variant classified as benign is not then subjected to further curation. The score for this variant resulted in a classification of benign for this disease.

Illumina Laboratory Services, Illumina
Classification: Likely benign for Autosomal recessive ataxia, Beauce type. Last evaluated: 2018-01-13. Review status: criteria provided, single submitter. Criteria: ICSL Variant Classification Criteria 13 December 2019. Collection method: clinical testing. Allele origin: germline.
Comment: This variant was observed in the ICSL laboratory as part of a predisposition screen in an ostensibly healthy population. It had not been previously curated by ICSL or reported in the Human Gene Mutation Database (HGMD: prior to June 1st, 2018), and was therefore a candidate for classification through an automated scoring system. Utilizing variant allele frequency, disease prevalence and penetrance estimates, and inheritance mode, an automated score was calculated to assess if this variant is too frequent to cause the disease. Based on the score and internal cut-off values, a variant classified as likely benign is not then subjected to further curation. The score for this variant resulted in a classification of likely benign for this disease.

Eurofins Ntd Llc (ga)
Classification: Benign. Last evaluated: 2016-01-23. Review status: criteria provided, single submitter. Criteria: EGL Classification Definitions 2015. Collection method: clinical testing. Allele origin: germline. Observed: 1 variant allele, 1 heterozygote.

Breakthrough Genomics
Classification: Likely benign. Review status: criteria provided, single submitter. Criteria: ACMG Guidelines, 2015. Collection method: not provided. Allele origin: germline. Inheritance: Autosomal recessive inheritance. Affected: yes.